The following is an entry in ClinVar:

NM_053025.4(MYLK):c.2899G>A (p.Val967Met)

Gene: MYLK (myosin light chain kinase; minus strand). Cytogenetic location: 3q21.1.
Variant type: single nucleotide variant.
Coding change: c.2899G>A on transcript NM_053025.4 (MANE Select); coding-DNA position 2899, G replaced by A.
Protein change: p.Val967Met; replaces valine 967 with methionine.
Molecular consequence: missense variant.
Genome position (GRCh38, 1-based): chr3:123,700,569, C>T on the plus strand (G>A on the coding strand, the complement: MYLK is on the minus strand). VCF-style: chr3-123700569-C-T. GRCh37 (hg19) VCF-style: chr3-123419416-C-T.
Other names: c.2371G>A, p.Val791Met (NM_001321309.2); c.2692G>A, p.Val898Met (NM_053026.4, NM_053028.4); c.2899G>A, p.Val967Met (NM_053027.4); short protein forms V967M, V791M, V898M.
Identifiers: ClinVar variation 900770 (VCV000900770.13), dbSNP rs201711566, ClinGen allele CA069132.

ClinVar aggregate classification (germline): Uncertain significance. Review status: criteria provided, multiple submitters, no conflicts (2 of 4 stars). 6 submissions from 6 submitters: Uncertain significance (6). Last evaluated 2025-10-26.

Conditions:
Aortic aneurysm, familial thoracic 7 (AAT7). Also called: AORTIC DISSECTION, FAMILIAL, WITH OR WITHOUT AORTIC ANEURYSM. Identifiers: MedGen C3151077, MONDO:0013418, OMIM 613780.
Megacystis-microcolon-intestinal hypoperistalsis syndrome 1. Identifiers: MedGen C5542316, MONDO:0100354, OMIM 249210.
Familial thoracic aortic aneurysm and aortic dissection (TAAD). Also called: Thoracic aortic aneurysms and dissections. Identifiers: Orphanet 91387, MedGen C4707243, MONDO:0019625.

Allele frequency attached by ClinVar (database versions not stated): gnomAD 0.00001 and 0.00003; gnomAD exomes 0.00001; ExAC 0.00002; TOPMed 0.00003; 1000 Genomes Project 30x 0.00031; 1000 Genomes Project 0.00040.
gnomAD v4.1: 26 of 1,613,632 alleles (0.0016%); highest among the groups gnomAD compares: South Asian, 0.0044%; no homozygotes.

Submissions (6):

Labcorp Genetics (formerly Invitae), Labcorp
Classification: Uncertain significance for Aortic aneurysm, familial thoracic 7. Last evaluated: 2025-10-26. Review status: criteria provided, single submitter. Criteria: Invitae Variant Classification Sherloc (09022015). Collection method: clinical testing. Allele origin: germline.
Comment: This sequence change replaces valine, which is neutral and non-polar, with methionine, which is neutral and non-polar, at codon 967 of the MYLK protein (p.Val967Met). This variant is present in population databases (rs201711566, gnomAD 0.006%). This variant has not been reported in the literature in individuals affected with MYLK-related conditions. ClinVar contains an entry for this variant (Variation ID: 900770). Invitae Evidence Modeling of protein sequence and biophysical properties (such as structural, functional, and spatial information, amino acid conservation, physicochemical variation, residue mobility, and thermodynamic stability) indicates that this missense variant is not expected to disrupt MYLK protein function with a negative predictive value of 80%. In summary, the available evidence is currently insufficient to determine the role of this variant in disease. Therefore, it has been classified as a Variant of Uncertain Significance.

Ambry Genetics
Classification: Uncertain significance for Familial thoracic aortic aneurysm and aortic dissection. Last evaluated: 2025-08-28. Review status: criteria provided, single submitter. Criteria: Ambry Variant Classification Scheme 2023. Collection method: clinical testing. Allele origin: germline.
Comment: The p.V967M variant (also known as c.2899G>A), located in coding exon 15 of the MYLK gene, results from a G to A substitution at nucleotide position 2899. The valine at codon 967 is replaced by methionine, an amino acid with highly similar properties. This amino acid position is conserved. In addition, this alteration is predicted to be tolerated by in silico analysis. Since supporting evidence is limited at this time, the clinical significance of this alteration remains unclear.

Women's Health and Genetics/Laboratory Corporation of America, LabCorp
Classification: Uncertain significance. Last evaluated: 2023-08-11. Review status: criteria provided, single submitter. Criteria: LabCorp Variant Classification Summary - May 2015. Collection method: clinical testing. Allele origin: germline.

GeneDx
Classification: Uncertain significance. Last evaluated: 2023-03-01. Review status: criteria provided, single submitter. Criteria: GeneDx Variant Classification Process June 2021. Collection method: clinical testing. Allele origin: germline. Affected: yes.
Comment: Not observed at significant frequency in large population cohorts (gnomAD); In silico analysis supports that this missense variant does not alter protein structure/function; Has not been previously published as pathogenic or benign to our knowledge

Fulgent Genetics
Classification: Uncertain significance for Megacystis-microcolon-intestinal hypoperistalsis syndrome 1; Aortic aneurysm, familial thoracic 7. Last evaluated: 2021-11-02. Review status: criteria provided, single submitter. Criteria: ACMG Guidelines, 2015. Collection method: clinical testing. Allele origin: unknown.

Illumina Laboratory Services, Illumina
Classification: Uncertain significance for Aortic aneurysm, familial thoracic 7. Last evaluated: 2018-01-13. Review status: criteria provided, single submitter. Criteria: ICSL Variant Classification Criteria 13 December 2019. Collection method: clinical testing. Allele origin: germline.